The following is an entry in ClinVar:

NM_033004.4(NLRP1):c.3788T>C (p.Ile1263Thr)

Gene: NLRP1 (NLR family pyrin domain containing 1; minus strand). Cytogenetic location: 17p13.2.
Variant type: single nucleotide variant.
Coding change: c.3788T>C on transcript NM_033004.4 (MANE Select); coding-DNA position 3788, T replaced by C.
Protein change: p.Ile1263Thr; replaces isoleucine 1263 with threonine.
Molecular consequence: missense variant. On other transcripts: intron variant (2).
Genome position (GRCh38, 1-based): chr17:5,521,008, A>G on the plus strand (T>C on the coding strand, the complement: NLRP1 is on the minus strand). VCF-style: chr17-5521008-A-G. GRCh37 (hg19) VCF-style: chr17-5424328-A-G.
Other names: c.3800T>C, p.Ile1267Thr (NM_001033053.3); c.3698T>C, p.Ile1233Thr (NM_033006.4); c.3693+516T>C (NM_033007.4); c.3783+516T>C (NM_014922.5); short protein forms I1233T, I1267T, I1263T.
Identifiers: ClinVar variation 1417018 (VCV001417018.8), dbSNP rs140309319, ClinGen allele CA8326728.

ClinVar aggregate classification (germline): Uncertain significance. Review status: criteria provided, multiple submitters, no conflicts (2 of 4 stars). 2 submissions from 2 submitters: Uncertain significance (2). Last evaluated 2025-12-23.

Conditions:
Autoinflammation with arthritis and dyskeratosis (AIADK). Identifiers: MedGen C4479278, MONDO:0060457, OMIM 617388.

Allele frequency attached by ClinVar (database versions not stated): 1000 Genomes Project 0.00080; 1000 Genomes Project 30x 0.00094; gnomAD exomes 0.00003 and 0.00006; ExAC 0.00008; gnomAD 0.00042 and 0.00044; TOPMed 0.00045; ESP Exome Variant Server 0.00054.
gnomAD v4.1: 122 of 1,606,988 alleles (0.0076%); highest among the groups gnomAD compares: African/African-American, 0.12%; 2 homozygotes.

Submissions (2):

Labcorp Genetics (formerly Invitae), Labcorp
Classification: Uncertain significance. Last evaluated: 2025-12-23. Review status: criteria provided, single submitter. Criteria: Invitae Variant Classification Sherloc (09022015). Collection method: clinical testing. Allele origin: germline.
Comment: This sequence change replaces isoleucine, which is neutral and non-polar, with threonine, which is neutral and polar, at codon 1263 of the NLRP1 protein (p.Ile1263Thr). This variant is present in population databases (rs140309319, gnomAD 0.1%), including at least one homozygous and/or hemizygous individual. This variant has not been reported in the literature in individuals affected with NLRP1-related conditions. ClinVar contains an entry for this variant (Variation ID: 1417018). An algorithm developed to predict the effect of missense changes on protein structure and function (PolyPhen-2) suggests that this variant is likely to be disruptive. In summary, the available evidence is currently insufficient to determine the role of this variant in disease. Therefore, it has been classified as a Variant of Uncertain Significance.

Laboratorio de Genetica e Diagnostico Molecular, Hospital Israelita Albert Einstein
Classification: Uncertain significance for Autoinflammation with arthritis and dyskeratosis. Last evaluated: 2021-10-29. Review status: criteria provided, single submitter. Criteria: ACMG Guidelines, 2015. Collection method: clinical testing. Allele origin: germline. Affected: yes.
Comment: ACMG classification criteria: BP4 supporting